The following is an entry in ClinVar:

NM_024422.6(DSC2):c.2546A>C (p.His849Pro)

Gene: DSC2 (desmocollin 2; minus strand). Cytogenetic location: 18q12.1.
Variant type: single nucleotide variant.
Coding change: c.2546A>C on transcript NM_024422.6 (MANE Select); coding-DNA position 2546, A replaced by C.
Protein change: p.His849Pro; replaces histidine 849 with proline.
Molecular consequence: missense variant. On other transcripts: 3 prime UTR variant (1).
Genome position (GRCh38, 1-based): chr18:31,068,175, T>G on the plus strand (A>C on the coding strand, the complement: DSC2 is on the minus strand). VCF-style: chr18-31068175-T-G. GRCh37 (hg19) VCF-style: chr18-28648141-T-G.
Other names: c.*48A>C (NM_004949.5); c.2546A>C (NM_024422.4); short protein forms H849P.
Identifiers: ClinVar variation 926569 (VCV000926569.13), dbSNP rs184487763, ClinGen allele CA038696.

ClinVar aggregate classification (germline): Likely benign. Review status: criteria provided, multiple submitters, no conflicts (2 of 4 stars). 4 submissions from 4 submitters: Likely benign (4). Last evaluated 2025-11-12.

Conditions:
Cardiovascular phenotype. Identifiers: MedGen CN230736.
Arrhythmogenic right ventricular dysplasia 11. Also called: ARRHYTHMOGENIC RIGHT VENTRICULAR DYSPLASIA, FAMILIAL, 11; Arrhythmogenic Right Ventricular Dysplasia/Cardiomyopathy11; Arrhythmogenic right ventricular dysplasia 11 with mild palmoplantar keratoderma and woolly hair. Identifiers: MedGen C1864850, MONDO:0012506, OMIM 610476.
Cardiomyopathy (CMYO). Also called: Cardiomyopathies. Identifiers: Orphanet 167848, MedGen C0878544, MONDO:0004994, HP:0001638. Inheritance: Various modes of inheritance.

Allele frequency attached by ClinVar (database versions not stated): gnomAD exomes 0.00003 and 0.00012; gnomAD 0.00021; 1000 Genomes Project 30x 0.00016; 1000 Genomes Project 0.00020; TOPMed 0.00020; ExAC 0.00001.
gnomAD v4.1: 71 of 1,614,152 alleles (0.0044%); highest among the groups gnomAD compares: Admixed American, 0.11%; no homozygotes.

Submissions (4):

Labcorp Genetics (formerly Invitae), Labcorp
Classification: Likely benign for Arrhythmogenic right ventricular dysplasia 11. Last evaluated: 2025-11-12. Review status: criteria provided, single submitter. Criteria: Invitae Variant Classification Sherloc (09022015). Collection method: clinical testing. Allele origin: germline.

Molecular Diagnostic Laboratory for Inherited Cardiovascular Disease, Montreal Heart Institute
Classification: Likely benign. Last evaluated: 2025-04-09. Review status: criteria provided, single submitter. Criteria: ACMG Guidelines, 2015. Collection method: clinical testing. Allele origin: germline. Affected: no.
Comment: BP4;BP6

Ambry Genetics
Classification: Likely benign for Cardiovascular phenotype. Last evaluated: 2022-05-16. Review status: criteria provided, single submitter. Criteria: Ambry Variant Classification Scheme 2023. Collection method: clinical testing. Allele origin: germline.

Color Diagnostics, LLC DBA Color Health
Classification: Likely benign for Cardiomyopathy. Last evaluated: 2020-06-30. Review status: criteria provided, single submitter. Criteria: ACMG Guidelines, 2015. Collection method: clinical testing. Allele origin: germline.